The following is an entry in ClinVar:

ClinVar aggregate classification (germline): Conflicting classifications of pathogenicity. Review status: criteria provided, conflicting classifications (1 of 4 stars). 4 submissions from 4 submitters: Pathogenic (1); Uncertain significance (2). 1 of the submissions does not count toward it. Last evaluated 2025-09-25.

Conditions:
Maple syrup urine disease (MSUD). Identifiers: Orphanet 511, MedGen C0024776, MeSH D008375, MONDO:0009563. Disease mechanism: loss of function.
Maple syrup urine disease type 1A (MSUD1A). Also called: MSUD type 1A. Identifiers: MedGen C1855369, MONDO:0023691, OMIM 248600.

gnomAD v4.1: 7 of 1,613,896 alleles (0.00043%); highest among the groups gnomAD compares: Admixed American, 0.01%; no homozygotes.

Submissions (4):

Women's Health and Genetics/Laboratory Corporation of America, LabCorp
Classification: Uncertain significance. Last evaluated: 2025-09-25. Review status: criteria provided, single submitter. Criteria: LabCorp Variant Classification Summary - May 2015. Collection method: clinical testing. Allele origin: germline.
Comment: Variant summary: DBT c.872G>T (p.Arg291Leu) results in a non-conservative amino acid change located in the 2-oxoacid dehydrogenase acyltransferase, catalytic domain of the encoded protein sequence. Algorithms developed to predict the effect of missense changes on protein structure and function are either unavailable or do not agree on the potential impact of this missense change. The variant allele was found at a frequency of 4e-06 in 251456 control chromosomes. The available data on variant occurrences in the general population are insufficient to allow any conclusion about variant significance. c.872G>T has been observed in individual(s) affected with Maple Syrup Urine Disease (internal data). These data do not allow any conclusion about variant significance. To our knowledge, no experimental evidence demonstrating an impact on protein function has been reported. ClinVar contains an entry for this variant (Variation ID: 457147). Based on the evidence outlined above, the variant was classified as uncertain significance.

Labcorp Genetics (formerly Invitae), Labcorp
Classification: Pathogenic for Maple syrup urine disease. Last evaluated: 2025-03-07. Review status: criteria provided, single submitter. Criteria: Invitae Variant Classification Sherloc (09022015). Collection method: clinical testing. Allele origin: germline.
Comment: This sequence change replaces arginine, which is basic and polar, with leucine, which is neutral and non-polar, at codon 291 of the DBT protein (p.Arg291Leu). This variant is present in population databases (no rsID available, gnomAD no frequency). This missense change has been observed in individual(s) with clinical features of maple syrup urine disease (internal data). In at least one individual the data is consistent with being in trans (on the opposite chromosome) from a pathogenic variant. ClinVar contains an entry for this variant (Variation ID: 457147). Invitae Evidence Modeling of protein sequence and biophysical properties (such as structural, functional, and spatial information, amino acid conservation, physicochemical variation, residue mobility, and thermodynamic stability) indicates that this missense variant is expected to disrupt DBT protein function with a positive predictive value of 95%. For these reasons, this variant has been classified as Pathogenic.

Genome-Nilou Lab
Classification: Uncertain significance for Maple syrup urine disease type 1A. Last evaluated: 2021-11-07. Review status: criteria provided, single submitter. Criteria: ACMG Guidelines, 2015. Collection method: clinical testing. Allele origin: germline. Affected: no.

Counsyl
Classification: Uncertain significance for Maple syrup urine disease type 1A. Last evaluated: 2018-04-10. Review status: no assertion criteria provided. Collection method: clinical testing. Allele origin: unknown. Not counted in ClinVar's aggregate classification.

NM_001918.5(DBT):c.872G>T (p.Arg291Leu)

Gene: DBT (dihydrolipoamide branched chain transacylase E2; minus strand). Cytogenetic location: 1p21.2.
Variant type: single nucleotide variant.
Coding change: c.872G>T on transcript NM_001918.5 (MANE Select); coding-DNA position 872, G replaced by T.
Protein change: p.Arg291Leu; replaces arginine 291 with leucine.
Molecular consequence: missense variant.
Genome position (GRCh38, 1-based): chr1:100,214,884, C>A on the plus strand (G>T on the coding strand, the complement: DBT is on the minus strand). VCF-style: chr1-100214884-C-A. GRCh37 (hg19) VCF-style: chr1-100680440-C-A.
Other names: short protein forms R291L.
Identifiers: ClinVar variation 457147 (VCV000457147.19), dbSNP rs775808731, ClinGen allele CA341337383.